The following is an entry in ClinVar:

NM_023013.4(PRAMEF1):c.744T>C (p.Asp248=)

Gene: PRAMEF1 (PRAME family member 1; plus strand). Cytogenetic location: 1p36.21.
Variant type: single nucleotide variant.
Coding change: c.744T>C on transcript NM_023013.4 (MANE Select); coding-DNA position 744, T replaced by C.
Protein change: p.Asp248=; no amino-acid change (aspartic acid 248 retained).
Molecular consequence: synonymous variant.
Genome position (GRCh38, 1-based): chr1:12,794,371, T>C. VCF-style: chr1-12794371-T-C. GRCh37 (hg19) VCF-style: chr1-12854520-T-C.
Identifiers: ClinVar variation 4871974 (VCV004871974.2).

ClinVar aggregate classification (germline): Likely benign (1 of 4 stars; one submission).

Submission:

CeGaT Center for Human Genetics Tuebingen
Classification: Likely benign. Last evaluated: 2026-05-01. Review status: criteria provided, single submitter. Criteria: CeGaT Center For Human Genetics Tuebingen Variant Classification Criteria Version 2. Collection method: clinical testing. Allele origin: germline. Affected: yes. Observed: 1 variant allele.
Comment: PRAMEF1: BP4, BP7